The following is an entry in ClinVar:

ClinVar aggregate classification (germline): Pathogenic. Review status: criteria provided, single submitter (1 of 4 stars). 3 submissions from 2 submitters: Pathogenic (1). 2 of the submissions do not count toward it. Last evaluated 2025-09-25.

Conditions:
COL1A1-related disorder. Also called: COL1A1-related condition; COL1A1- related disease.
Osteogenesis imperfecta with normal sclerae, dominant form (OI4). Also called: OSTEOGENESIS IMPERFECTA, TYPE IV, WITH DENTINOGENESIS IMPERFECTA; Osteogenesis Imperfecta Type IV; OSTEOGENESIS IMPERFECTA WITH NORMAL SCLERAE; Osteogenesis imperfecta type 4; Common Variable Osteogenesis Imperfecta with Normal Sclerae. Identifiers: Orphanet 216820, Orphanet 666, MedGen C0268363, MONDO:0008148, OMIM 166220.
Osteogenesis imperfecta type I (OI1). Also called: Lobstein disease; Lobstein's Disease; OI, TYPE I; OSTEOGENESIS IMPERFECTA TARDA; OSTEOGENESIS IMPERFECTA WITH BLUE SCLERAE; Osteogenesis imperfecta type 1. Identifiers: Orphanet 216796, Orphanet 666, MedGen C0023931, MONDO:0008146, OMIM 166200. Disease mechanism: loss of function.

Submissions (3):

3billion
Classification: Pathogenic for COL1A1-related disorder. Last evaluated: 2025-09-25. Review status: criteria provided, single submitter. Criteria: ACMG Guidelines, 2015. Collection method: clinical testing. Allele origin: germline. Affected: yes.
Comment: The variant is not observed in the gnomAD v4.1.0 dataset. Predicted Consequence/Location: Canonical splice site: predicted to alter splicing and result in a loss or disruption of normal protein function. Multiple pathogenic loss-of-function variants are reported downstream of the variant. In silico tools predict the variant to alter splicing and produce an abnormal transcript [SpliceAI: 0.99 (spliceogenicity >=0.2, non-spliceogenicity <0.1)]. The variant has been reported to co-segregate with the disease in at least 3 similarly affected relatives/individuals in the same family or similarly affected unrelated families (PMID: 15024692). The variant has been reported to be associated with COL1A1-related disorder (PMID: 15024692). Therefore, this variant is classified as Pathogenic according to the recommendation of ACMG/AMP guideline.

OMIM
Classification: Pathogenic for OSTEOGENESIS IMPERFECTA, TYPE I. Last evaluated: 2004-04-01. Review status: no assertion criteria provided. Collection method: literature only. Allele origin: germline. Not counted in ClinVar's aggregate classification.

OMIM
Classification: Pathogenic for OSTEOGENESIS IMPERFECTA, TYPE IV. Last evaluated: 2004-04-01. Review status: no assertion criteria provided. Collection method: literature only. Allele origin: germline. Not counted in ClinVar's aggregate classification.

Literature cited by the submitters: PubMed 15024692 (cited by 3billion and OMIM).

NM_000088.4(COL1A1):c.1299+1G>C

Gene: COL1A1 (collagen type I alpha 1 chain; minus strand). Cytogenetic location: 17q21.33.
Variant type: single nucleotide variant.
Coding change: c.1299+1G>C on transcript NM_000088.4 (MANE Select); the canonical splice donor site of the intron after coding-DNA position 1299, G replaced by C.
Molecular consequence: splice donor variant.
Genome position (GRCh38, 1-based): chr17:50,195,231, C>G on the plus strand (G>C on the coding strand, the complement: COL1A1 is on the minus strand). VCF-style: chr17-50195231-C-G. GRCh37 (hg19) VCF-style: chr17-48272592-C-G.
Other names: IVS19DS, G-C, +1.
Identifiers: ClinVar variation 17346 (VCV000017346.2), dbSNP rs66490707, ClinGen allele CA291546592.